The following is an entry in ClinVar:

NM_014014.5(SNRNP200):c.3943A>G (p.Ser1315Gly)

Gene: SNRNP200 (small nuclear ribonucleoprotein U5 subunit 200; minus strand). Cytogenetic location: 2q11.2.
Variant type: single nucleotide variant.
Coding change: c.3943A>G on transcript NM_014014.5 (MANE Select); coding-DNA position 3943, A replaced by G.
Protein change: p.Ser1315Gly; replaces serine 1315 with glycine.
Molecular consequence: missense variant.
Genome position (GRCh38, 1-based): chr2:96,286,371, T>C on the plus strand (A>G on the coding strand, the complement: SNRNP200 is on the minus strand). VCF-style: chr2-96286371-T-C. GRCh37 (hg19) VCF-style: chr2-96952109-T-C.
Other names: c.3943A>G (NM_014014.4); short protein forms S1315G.
Identifiers: ClinVar variation 3603581 (VCV003603581.3).
Genomic context (GRCh38, chr2:96,286,371, plus strand): 5'-CCTGGGTCTGGATGGGATTGAAGAAAGGAAATTTATCTTGGTAAAGACTCTCAAAGGCAC[T>C]GTTTCTCAGAGCAGACACGGGCAAGGGCTGCAGGTCCAAAAGTTCGGTTGGAGGGGGGTA-3'
Protein context (NP_054733.2, residues 1305-1325): QPLPVSALRN[Ser1315Gly]AFESLYQDKF

ClinVar aggregate classification (germline): Conflicting classifications of pathogenicity. Review status: criteria provided, conflicting classifications (1 of 4 stars). 2 submissions from 2 submitters: Uncertain significance (1); Benign (1). Last evaluated 2025-11-26.

Conditions:
SNRNP200-related disorder. Also called: SNRNP200-related condition.

gnomAD v4.1: 13 of 1,614,066 alleles (0.00081%); highest among the groups gnomAD compares: East Asian, 0.029%; no homozygotes.

Submissions (2):

PreventionGenetics, part of Exact Sciences
Classification: Uncertain significance for SNRNP200-related condition. Last evaluated: 2025-11-26. Review status: criteria provided, single submitter. Criteria: ACMG Guidelines, 2015. Collection method: clinical testing. Allele origin: germline.
Comment: The SNRNP200 c.3943A>G variant is predicted to result in the amino acid substitution p.Ser1315Gly. To our knowledge, this variant has not been reported in the literature. This variant is reported in 0.065% of alleles in individuals of East Asian descent in gnomAD. At this time, the clinical significance of this variant is uncertain due to the absence of conclusive functional and genetic evidence.

Labcorp Genetics (formerly Invitae), Labcorp
Classification: Benign. Last evaluated: 2025-10-10. Review status: criteria provided, single submitter. Criteria: Invitae Variant Classification Sherloc (09022015). Collection method: clinical testing. Allele origin: germline.